The following is an entry in ClinVar:

ClinVar aggregate classification (germline): Uncertain significance (1 of 4 stars; one submission).

Conditions:
Ataxia-telangiectasia syndrome (AT). Also called: ATAXIA-TELANGIECTASIA, COMPLEMENTATION GROUP A; ATAXIA-TELANGIECTASIA, FRESNO VARIANT; Ataxia-telangiectasia; Ataxia-telangiectasia, complementation group D; AT, COMPLEMENTATION GROUP C; Ataxia-telangiectasia, complementation group E. Identifiers: Orphanet 100, MedGen C0004135, MONDO:0008840, OMIM 208900.

Submission:

Labcorp Genetics (formerly Invitae), Labcorp
Classification: Uncertain significance for Ataxia-telangiectasia syndrome. Last evaluated: 2021-08-29. Review status: criteria provided, single submitter. Criteria: Invitae Variant Classification Sherloc (09022015). Collection method: clinical testing. Allele origin: germline.
Comment: This sequence change replaces isoleucine with threonine at codon 2878 of the ATM protein (p.Ile2878Thr). The isoleucine residue is highly conserved and there is a moderate physicochemical difference between isoleucine and threonine. This variant is not present in population databases (ExAC no frequency). This variant has not been reported in the literature in individuals with ATM-related conditions. Algorithms developed to predict the effect of missense changes on protein structure and function (SIFT, PolyPhen-2, Align-GVGD) all suggest that this variant is likely to be disruptive, but these predictions have not been confirmed by published functional studies and their clinical significance is uncertain. In summary, the available evidence is currently insufficient to determine the role of this variant in disease. Therefore, it has been classified as a Variant of Uncertain Significance.

NM_000051.4(ATM):c.8633T>C (p.Ile2878Thr)

Genes: ATM (ATM serine/threonine kinase; plus strand), C11orf65 (chromosome 11 open reading frame 65; minus strand). Cytogenetic location: 11q22.3.
Variant type: single nucleotide variant.
Coding change: c.8633T>C on transcript NM_000051.4 (MANE Select); coding-DNA position 8633, T replaced by C.
Protein change: p.Ile2878Thr; replaces isoleucine 2878 with threonine.
Molecular consequence: missense variant. On other transcripts: intron variant (2).
Genome position (GRCh38, 1-based): chr11:108,347,327, T>C. VCF-style: chr11-108347327-T-C. GRCh37 (hg19) VCF-style: chr11-108218054-T-C.
Other names: c.8633T>C, p.Ile2878Thr (NM_001351834.2); c.641-38256A>G (NM_001330368.2); c.695-12035A>G (NM_001351110.2); short protein forms I2878T.
Identifiers: ClinVar variation 859236 (VCV000859236.10), dbSNP rs972293256, ClinGen allele CA382520876.